The following is an entry in ClinVar:

ClinVar aggregate classification (germline): Benign (0 of 4 stars; one submission).

Conditions:
MUC16-related disorder. Also called: MUC16-related condition.

Allele frequency attached by ClinVar (database versions not stated): 1000 Genomes Project 30x 0.09354.

Submission:

PreventionGenetics, part of Exact Sciences
Classification: Benign for MUC16-related condition. Last evaluated: 2019-06-06. Review status: no assertion criteria provided. Collection method: clinical testing. Allele origin: germline.
Comment: This variant is classified as benign based on ACMG/AMP sequence variant interpretation guidelines (Richards et al. 2015 PMID: 25741868, with internal and published modifications).

NM_001401501.2(MUC16):c.39454C>A (p.Gln13152Lys)

Gene: MUC16 (mucin 16, cell surface associated; minus strand). Cytogenetic location: 19p13.2.
Variant type: single nucleotide variant.
Coding change: c.39454C>A on transcript NM_001401501.2 (MANE Select); coding-DNA position 39454, C replaced by A.
Protein change: p.Gln13152Lys; replaces glutamine 13152 with lysine.
Molecular consequence: missense variant.
Genome position (GRCh38, 1-based): chr19:8,897,608, G>T on the plus strand (C>A on the coding strand, the complement: MUC16 is on the minus strand). VCF-style: chr19-8897608-G-T. GRCh37 (hg19) VCF-style: chr19-9008284-G-T.
Other names: c.39880C>A, p.Gln13294Lys (NM_001414686.1); c.39334C>A, p.Gln13112Lys (NM_001414687.1); c.39268C>A, p.Gln13090Lys (NM_024690.2); short protein forms Q13090K, Q13112K, Q13152K, Q13294K.
Identifiers: ClinVar variation 3044182 (VCV003044182.2), dbSNP rs746091142, ClinGen allele CA403817371.